The following is an entry in ClinVar:

ClinVar aggregate classification (germline): Conflicting classifications of pathogenicity. Review status: criteria provided, conflicting classifications (1 of 4 stars). 6 submissions from 6 submitters: Uncertain significance (3); Likely benign (3). Last evaluated 2026-02-02.

Conditions:
Familial cancer of breast. Also called: hereditary breast carcinoma; Hereditary breast cancer; BREAST CANCER, FAMILIAL. Identifiers: Orphanet 227535, MedGen C0346153, MONDO:0016419, OMIM 114480. Disease mechanism: loss of function.
Hereditary cancer-predisposing syndrome. Also called: Neoplastic Syndromes, Hereditary; Hereditary Cancer Syndrome; Tumor predisposition; Hereditary neoplastic syndrome. Identifiers: Orphanet 140162, MedGen C0027672, MeSH D009386, MONDO:0015356.

Allele frequency attached by ClinVar (database versions not stated): gnomAD exomes below 0.00001; ExAC 0.00001.

Submissions (6):

Labcorp Genetics (formerly Invitae), Labcorp
Classification: Uncertain significance for Familial cancer of breast. Last evaluated: 2026-02-02. Review status: criteria provided, single submitter. Criteria: Invitae Variant Classification Sherloc (09022015). Collection method: clinical testing. Allele origin: germline.
Comment: This sequence change replaces leucine, which is neutral and non-polar, with proline, which is neutral and non-polar, at codon 303 of the PALB2 protein (p.Leu303Pro). This variant is present in population databases (rs774057025, gnomAD 0.0009%). This variant has not been reported in the literature in individuals affected with PALB2-related conditions. ClinVar contains an entry for this variant (Variation ID: 231978). Invitae Evidence Modeling of protein sequence and biophysical properties (such as structural, functional, and spatial information, amino acid conservation, physicochemical variation, residue mobility, and thermodynamic stability) indicates that this missense variant is not expected to disrupt PALB2 protein function with a negative predictive value of 80%. In summary, the available evidence is currently insufficient to determine the role of this variant in disease. Therefore, it has been classified as a Variant of Uncertain Significance.

Quest Diagnostics Nichols Institute San Juan Capistrano
Classification: Uncertain significance. Last evaluated: 2024-12-26. Review status: criteria provided, single submitter. Criteria: Quest Diagnostics criteria. Collection method: clinical testing. Allele origin: unknown.
Comment: The PALB2 c.908T>C (p.Leu303Pro) variant has not been reported in individuals with PALB2-related conditions in the published literature. The frequency of this variant in the general population (Genome Aggregation Database) is uninformative in the assessment of its pathogenicity. Analysis of this variant using bioinformatics tools for the prediction of the effect of amino acid changes on protein structure and function yielded predictions that this variant is benign. Based on the available information, we are unable to determine the clinical significance of this variant.

Blueprint Genetics
Classification: Likely benign. Last evaluated: 2024-03-13. Review status: criteria provided, single submitter. Criteria: ACMG Guidelines, 2015. Collection method: clinical testing. Allele origin: germline.

Myriad Genetics, Inc.
Classification: Likely benign for Familial cancer of breast. Last evaluated: 2023-06-12. Review status: criteria provided, single submitter. Criteria: Myriad Autosomal Dominant, Autosomal Recessive and X-Linked Classification Criteria (2023). Collection method: clinical testing. Allele origin: unknown.
Comment: This variant is considered likely benign. This variant is strongly associated with less severe personal and family histories of cancer, typical for individuals without pathogenic variants in this gene [PMID: 25085752].

Color Diagnostics, LLC DBA Color Health
Classification: Uncertain significance for Hereditary cancer-predisposing syndrome. Last evaluated: 2020-03-05. Review status: criteria provided, single submitter. Criteria: ACMG Guidelines, 2015. Collection method: clinical testing. Allele origin: germline.
Comment: This missense variant replaces leucine with proline at codon 303 of the PALB2 protein. Computational prediction suggests that this variant may not impact protein structure and function (internally defined REVEL score threshold <= 0.5, PMID: 27666373). Splice site prediction tools suggest that this variant may not impact RNA splicing. To our knowledge, functional studies have not been reported for this variant. This variant has not been reported in individuals affected with hereditary cancer in the literature. This variant has been identified in 1/251274 chromosomes in the general population by the Genome Aggregation Database (gnomAD). The available evidence is insufficient to determine the role of this variant in disease conclusively. Therefore, this variant is classified as a Variant of Uncertain Significance.

Ambry Genetics
Classification: Likely benign for Hereditary cancer-predisposing syndrome. Last evaluated: 2018-04-24. Review status: criteria provided, single submitter. Criteria: Ambry Variant Classification Scheme 2023. Collection method: clinical testing. Allele origin: germline.

Literature cited by the submitters: PubMed 25085752 (cited by Myriad Genetics, Inc.).

NM_024675.4(PALB2):c.908T>C (p.Leu303Pro)

Gene: PALB2 (partner and localizer of BRCA2; minus strand). Cytogenetic location: 16p12.2.
Variant type: single nucleotide variant.
Coding change: c.908T>C on transcript NM_024675.4 (MANE Select); coding-DNA position 908, T replaced by C.
Protein change: p.Leu303Pro; replaces leucine 303 with proline.
Molecular consequence: missense variant.
Genome position (GRCh38, 1-based): chr16:23,635,638, A>G on the plus strand (T>C on the coding strand, the complement: PALB2 is on the minus strand). VCF-style: chr16-23635638-A-G. GRCh37 (hg19) VCF-style: chr16-23646959-A-G.
Other names: short protein forms L303P.
Identifiers: ClinVar variation 231978 (VCV000231978.25), dbSNP rs774057025, ClinGen allele CA7963747.